The following is an entry in ClinVar:

ClinVar aggregate classification (germline): Likely pathogenic (1 of 4 stars; one submission).

gnomAD v4.1: 5 of 1,613,688 alleles (0.00031%); highest among the groups gnomAD compares: Admixed American, 0.0017%; no homozygotes.

Submission:

Labcorp Genetics (formerly Invitae), Labcorp
Classification: Likely pathogenic. Last evaluated: 2025-03-25. Review status: criteria provided, single submitter. Criteria: Invitae Variant Classification Sherloc (09022015). Collection method: clinical testing. Allele origin: germline.
Comment: This sequence change replaces asparagine, which is neutral and polar, with aspartic acid, which is acidic and polar, at codon 371 of the TYR protein (p.Asn371Asp). This variant is not present in population databases (gnomAD no frequency). This missense change has been observed in individual(s) with clinical features of TYR-related conditions (PMID: 23085315, 30472657; internal data). In at least one individual the data is consistent with being in trans (on the opposite chromosome) from a pathogenic variant. Invitae Evidence Modeling of protein sequence and biophysical properties (such as structural, functional, and spatial information, amino acid conservation, physicochemical variation, residue mobility, and thermodynamic stability) has been performed for this missense variant. However, the output from this modeling did not meet the statistical confidence thresholds required to predict the impact of this variant on TYR protein function. Experimental studies have shown that this missense change affects TYR function (PMID: 19342661, 26701645). This variant disrupts the p.Asn371 amino acid residue in TYR. Other variant(s) that disrupt this residue have been determined to be pathogenic (PMID: 10987646, 28976636). This suggests that this residue is clinically significant, and that variants that disrupt this residue are likely to be disease-causing. In summary, the currently available evidence indicates that the variant is pathogenic, but additional data are needed to prove that conclusively. Therefore, this variant has been classified as Likely Pathogenic.

Literature cited by the submitters: PubMed 23085315; PubMed 30472657; PubMed 19342661; PubMed 26701645; PubMed 10987646; PubMed 28976636.

NM_000372.5(TYR):c.1111A>G (p.Asn371Asp)

Gene: TYR (tyrosinase; plus strand). Cytogenetic location: 11q14.3.
Variant type: single nucleotide variant.
Coding change: c.1111A>G on transcript NM_000372.5 (MANE Select); coding-DNA position 1111, A replaced by G.
Protein change: p.Asn371Asp; replaces asparagine 371 with aspartic acid.
Molecular consequence: missense variant.
Genome position (GRCh38, 1-based): chr11:89,227,897, A>G. VCF-style: chr11-89227897-A-G. GRCh37 (hg19) VCF-style: chr11-88961065-A-G.
Other names: short protein forms N371D.
Identifiers: ClinVar variation 4709879 (VCV004709879.1).
Genomic context (GRCh38, chr11:89,227,897, plus strand): 5'-CTTACTGGGATAGCGGATGCCTCTCAAAGCAGCATGCACAATGCCTTGCACATCTATATG[A>G]ATGGAACAATGTCCCAGGTACAGGGATCTGCCAACGATCCTATCTTCCTTCTTCACCATG-3'
Protein context (NP_000363.1, residues 361-381): SMHNALHIYM[Asn371Asp]GTMSQVQGSA